The following is an entry in ClinVar:

NM_004628.5(XPC):c.521A>G (p.Lys174Arg)

Gene: XPC (XPC complex subunit, DNA damage recognition and repair factor; minus strand). Cytogenetic location: 3p25.1.
Variant type: single nucleotide variant.
Coding change: c.521A>G on transcript NM_004628.5 (MANE Select); coding-DNA position 521, A replaced by G.
Protein change: p.Lys174Arg; replaces lysine 174 with arginine.
Molecular consequence: missense variant. On other transcripts: non-coding transcript variant (1), intron variant (1).
Genome position (GRCh38, 1-based): chr3:14,168,272, T>C on the plus strand (A>G on the coding strand, the complement: XPC is on the minus strand). VCF-style: chr3-14168272-T-C. GRCh37 (hg19) VCF-style: chr3-14209772-T-C.
Other names: c.521A>G, p.Lys174Arg (NM_001354727.2, NM_001354730.2); c.503A>G, p.Lys168Arg (NM_001354729.2); c.-43-1019A>G (NM_001354726.2); short protein forms K168R, K174R.
Identifiers: ClinVar variation 2145821 (VCV002145821.4), dbSNP rs777804114, ClinGen allele CA2267689.

ClinVar aggregate classification (germline): Uncertain significance (1 of 4 stars; one submission).

Allele frequency attached by ClinVar (database versions not stated): TOPMed below 0.00001; ExAC 0.00001; gnomAD 0.00001; gnomAD exomes 0.00001.

Submission:

Labcorp Genetics (formerly Invitae), Labcorp
Classification: Uncertain significance. Last evaluated: 2022-05-28. Review status: criteria provided, single submitter. Criteria: Invitae Variant Classification Sherloc (09022015). Collection method: clinical testing. Allele origin: germline.
Comment: This sequence change replaces lysine, which is basic and polar, with arginine, which is basic and polar, at codon 174 of the XPC protein (p.Lys174Arg). This variant is present in population databases (rs777804114, gnomAD 0.0009%). This variant has not been reported in the literature in individuals affected with XPC-related conditions. Algorithms developed to predict the effect of missense changes on protein structure and function output the following: SIFT: "Not Available"; PolyPhen-2: "Benign"; Align-GVGD: "Not Available". The arginine amino acid residue is found in multiple mammalian species, which suggests that this missense change does not adversely affect protein function. In summary, the available evidence is currently insufficient to determine the role of this variant in disease. Therefore, it has been classified as a Variant of Uncertain Significance.